The following is an entry in ClinVar:

ClinVar aggregate classification (germline): Uncertain significance (1 of 4 stars; one submission).

Conditions:
Hereditary pancreatitis (PCTT). Also called: Hereditary chronic pancreatitis; PRSS1-Related Hereditary Pancreatitis. Identifiers: Orphanet 676, MedGen C0238339, MONDO:0008185, OMIM 167800.

gnomAD v4.1: 2 of 1,614,008 alleles (0.00012%); highest among the groups gnomAD compares: Non-Finnish European, 0.00017%; no homozygotes.

Submission:

Ambry Genetics
Classification: Uncertain significance for Hereditary pancreatitis. Last evaluated: 2026-02-21. Review status: criteria provided, single submitter. Criteria: Ambry Variant Classification Scheme 2023. Collection method: clinical testing. Allele origin: germline.
Comment: The p.A15S variant (also known as c.43G>T), located in coding exon 2 of the PRSS1 gene, results from a G to T substitution at nucleotide position 43. The alanine at codon 15 is replaced by serine, an amino acid with similar properties. This amino acid position is conserved. In addition, the in silico prediction for this alteration is inconclusive. Based on the available evidence, the clinical significance of this variant remains unclear.

NM_002769.5(PRSS1):c.43G>T (p.Ala15Ser)

Genes: PRSS1 (serine protease 1; plus strand), TRB (T cell receptor beta locus; plus strand). Cytogenetic location: 7q34.
Variant type: single nucleotide variant.
Coding change: c.43G>T on transcript NM_002769.5 (MANE Select); coding-DNA position 43, G replaced by T.
Protein change: p.Ala15Ser; replaces alanine 15 with serine.
Molecular consequence: missense variant. On other transcripts: non-coding transcript variant (2).
Genome position (GRCh38, 1-based): chr7:142,750,557, G>T. VCF-style: chr7-142750557-G-T. GRCh37 (hg19) VCF-style: chr7-142458408-G-T.
Other names: short protein forms A15S.
Identifiers: ClinVar variation 4844412 (VCV004844412.1).